The following is an entry in ClinVar:

NM_000478.6(ALPL):c.44C>G (p.Thr15Ser)

Gene: ALPL (alkaline phosphatase, biomineralization associated; plus strand). Cytogenetic location: 1p36.12.
Variant type: single nucleotide variant.
Coding change: c.44C>G on transcript NM_000478.6 (MANE Select); coding-DNA position 44, C replaced by G.
Protein change: p.Thr15Ser; replaces threonine 15 with serine.
Molecular consequence: missense variant. On other transcripts: intron variant (2).
Genome position (GRCh38, 1-based): chr1:21,554,125, C>G. VCF-style: chr1-21554125-C-G. GRCh37 (hg19) VCF-style: chr1-21880618-C-G.
Other names: c.44C>G, p.Thr15Ser (NM_001369803.2, NM_001369804.2, NM_001369805.2); c.-104-6501C>G (NM_001127501.4); c.-54-6501C>G (NM_001177520.3); short protein forms T15S.
Identifiers: ClinVar variation 740173 (VCV000740173.18), dbSNP rs150849772, ClinGen allele CA666362.

ClinVar aggregate classification (germline): Likely benign. Review status: criteria provided, multiple submitters, no conflicts (2 of 4 stars). 6 submissions from 6 submitters: Likely benign (4). 2 of the submissions do not count toward it. Last evaluated 2026-09-01.

Conditions:
ALPL-related disorder. Also called: ALPL-related condition; ALPL-related disorders.
Hypophosphatasia. Also called: Phosphoethanol-aminuria. Identifiers: Orphanet 436, MedGen C0020630, MeSH D007014, MONDO:0018570.

Allele frequency attached by ClinVar (database versions not stated): gnomAD 0.00002 and 0.00012; TOPMed 0.00003; gnomAD exomes 0.00024 and 0.00047; ExAC 0.00058; 1000 Genomes Project 30x 0.00062; 1000 Genomes Project 0.00080.
gnomAD v4.1: 354 of 1,590,560 alleles (0.022%); highest among the groups gnomAD compares: South Asian, 0.36%; 4 homozygotes.

Submissions (6):

Genomenon, Inc
Classification: Likely benign for Hypophosphatasia. Last evaluated: 2026-09-01. Review status: criteria provided, single submitter. Criteria: Genomenon Sequence Variant Interpretation Standards - Updated. Collection method: curation. Allele origin: germline. Affected: no.
Comment: ALPL p.Thr15Ser (c.44C>G) is a missense variant that changes the amino acid at codon 15 from Threonine to Serine. This variant has been reported in the published literature (PMID:32160374). This variant's allele frequency in gnomAD is greater than expected for this disorder. In conclusion, we classify ALPL p.Thr15Ser (c.44C>G) as a likely benign variant.

Labcorp Genetics (formerly Invitae), Labcorp
Classification: Likely benign. Last evaluated: 2025-12-14. Review status: criteria provided, single submitter. Criteria: Invitae Variant Classification Sherloc (09022015). Collection method: clinical testing. Allele origin: germline.

Blueprint Genetics
Classification: Likely benign. Last evaluated: 2024-10-14. Review status: criteria provided, single submitter. Criteria: ACMG Guidelines, 2015. Collection method: clinical testing. Allele origin: germline.

JKU Lab, Dept of Paediatrics, Johannes Kepler University
Classification: Likely benign for Hypophosphatasia. Review status: criteria provided, single submitter. Criteria: ACMG Guidelines, 2015. Collection method: curation, in vitro. Allele origin: germline, not applicable. Affected: no. Functional consequence: functionally normal.
Comment: This missense variant is present in GnomAD 4 (f = 0.0002226) and does not affect a highly conserved amino acid in a functional domain. The variant is not predicted to affect protein function (REVEL score: 0.338). Splice-prediction algorithms predict no effect on splicing. In vitro functional studies showed no reduction ALP activity. This variant has not been reported in the literature in individuals affected with ALPL-related conditions. The results of the functional testing and the applied ACMG criteria can be viewed at an online resource

PreventionGenetics, part of Exact Sciences
Classification: Likely benign for ALPL-related condition. Last evaluated: 2022-07-18. Review status: no assertion criteria provided. Collection method: clinical testing. Allele origin: germline. Not counted in ClinVar's aggregate classification.
Comment: This variant is classified as likely benign based on ACMG/AMP sequence variant interpretation guidelines (Richards et al. 2015 PMID: 25741868, with internal and published modifications).

Natera, Inc.
Classification: Benign for Hypophosphatasia. Last evaluated: 2019-10-22. Review status: no assertion criteria provided. Collection method: clinical testing. Allele origin: germline. Not counted in ClinVar's aggregate classification.

Literature cited by the submitters: PubMed 32160374 (cited by Genomenon, Inc).